The following is an entry in ClinVar:

ClinVar aggregate classification (germline): Likely pathogenic (1 of 4 stars; one submission).

Conditions:
Osteogenesis imperfecta (OI). Identifiers: Orphanet 666, MedGen C0029434, MeSH D010013, MONDO:0019019.

Submission:

Women's Health and Genetics/Laboratory Corporation of America, LabCorp
Classification: Likely pathogenic for Osteogenesis imperfecta. Last evaluated: 2022-09-22. Review status: criteria provided, single submitter. Criteria: LabCorp Variant Classification Summary - May 2015. Collection method: clinical testing. Allele origin: germline.
Comment: Variant summary: COL1A1 c.608G>C (p.Gly203Ala) results in a non-conservative amino acid change located in the Collagen triple helix repeat of the encoded protein sequence. Alterations of glycine residues within the collagen triple-helix are common mechanisms of disease. Five of five in-silico tools predict a damaging effect of the variant on protein function. The variant was absent in 250818 control chromosomes. To our knowledge, no occurrence of c.608G>C in individuals affected with Osteogenesis Imperfecta and no experimental evidence demonstrating its impact on protein function have been reported. However, other variants affecting the same codon have been reported in association with Osteogenesis imperfecta in HGMD and reported as pathogenic/likely pathogenic in ClinVar (G203R, G203D, G203C, G203S, G203V). No clinical diagnostic laboratories have submitted clinical-significance assessments for this variant to ClinVar after 2014. Based on the evidence outlined above, the variant was classified as likely pathogenic.

NM_000088.4(COL1A1):c.608G>C (p.Gly203Ala)

Gene: COL1A1 (collagen type I alpha 1 chain; minus strand). Cytogenetic location: 17q21.33.
Variant type: single nucleotide variant.
Coding change: c.608G>C on transcript NM_000088.4 (MANE Select); coding-DNA position 608, G replaced by C.
Protein change: p.Gly203Ala; replaces glycine 203 with alanine.
Molecular consequence: missense variant.
Genome position (GRCh38, 1-based): chr17:50,197,983, C>G on the plus strand (G>C on the coding strand, the complement: COL1A1 is on the minus strand). VCF-style: chr17-50197983-C-G. GRCh37 (hg19) VCF-style: chr17-48275344-C-G.
Other names: short protein forms G203A.
Identifiers: ClinVar variation 1722498 (VCV001722498.1), dbSNP rs72667031, ClinGen allele CA400225244.